The following is an entry in ClinVar:

ClinVar aggregate classification (germline): Uncertain significance (1 of 4 stars; one submission).

Conditions:
Hereditary cancer-predisposing syndrome. Also called: Neoplastic Syndromes, Hereditary; Tumor predisposition; Hereditary Cancer Syndrome; Hereditary neoplastic syndrome. Identifiers: Orphanet 140162, MedGen C0027672, MeSH D009386, MONDO:0015356.

Submission:

Ambry Genetics
Classification: Uncertain significance for Hereditary cancer-predisposing syndrome. Last evaluated: 2019-03-14. Review status: criteria provided, single submitter. Criteria: Ambry Variant Classification Scheme 2023. Collection method: clinical testing. Allele origin: germline.
Comment: The p.P574L variant (also known as c.1721C>T), located in coding exon 11 of the PMS2 gene, results from a C to T substitution at nucleotide position 1721. The proline at codon 574 is replaced by leucine, an amino acid with similar properties. This amino acid position is poorly conserved in available vertebrate species. In addition, this alteration is predicted to be tolerated by in silico analysis. Since supporting evidence is limited at this time, the clinical significance of this alteration remains unclear.

NM_000535.7(PMS2):c.1721C>T (p.Pro574Leu)

Gene: PMS2 (PMS1 homolog 2, mismatch repair system component; minus strand). Cytogenetic location: 7p22.1.
Variant type: single nucleotide variant.
Coding change: c.1721C>T on transcript NM_000535.7 (MANE Select); coding-DNA position 1721, C replaced by T.
Protein change: p.Pro574Leu; replaces proline 574 with leucine.
Molecular consequence: missense variant. On other transcripts: non-coding transcript variant (1).
Genome position (GRCh38, 1-based): chr7:5,987,044, G>A on the plus strand (C>T on the coding strand, the complement: PMS2 is on the minus strand). VCF-style: chr7-5987044-G-A. GRCh37 (hg19) VCF-style: chr7-6026675-G-A.
Other names: c.1316C>T, p.Pro439Leu (NM_001018040.1, NM_001322003.2, NM_001322004.2 and 17 more transcripts); c.1565C>T, p.Pro522Leu (NM_001322006.2, NM_001406870.1); c.1403C>T, p.Pro468Leu (NM_001322007.2, NM_001322008.2, NM_001406876.1 and 2 more transcripts); c.1160C>T, p.Pro387Leu (NM_001322010.2, NM_001406906.1, NM_001406907.1); c.788C>T, p.Pro263Leu (NM_001322011.2, NM_001322012.2); c.1148C>T, p.Pro383Leu (NM_001322013.2, NM_001406909.1); c.1721C>T, p.Pro574Leu (NM_001322014.2, NM_001406871.1, NM_001406872.1); c.1412C>T, p.Pro471Leu (NM_001322015.2, NM_001406875.1, NM_001406877.1 and 5 more transcripts); and 12 more; short protein forms P403L, P419L, P508L, P518L, P522L, P538L, P582L, P383L.
Identifiers: ClinVar variation 1778772 (VCV001778772.2), dbSNP rs747828749, ClinGen allele CA366740175.